The following is an entry in ClinVar:

ClinVar aggregate classification (germline): Likely benign. Review status: criteria provided, multiple submitters, no conflicts (2 of 4 stars). 2 submissions from 2 submitters: Likely benign (2). Last evaluated 2025-11-20.

Conditions:
RYR1-related disorder. Also called: RYR1-related disorders; RYR1-related condition. Identifiers: MedGen CN239331.

Allele frequency attached by ClinVar (database versions not stated): gnomAD exomes 0.00001 and 0.00002; ExAC 0.00003; gnomAD 0.00003; ESP Exome Variant Server 0.00008.
gnomAD v4.1: 12 of 1,606,254 alleles (0.00075%); highest among the groups gnomAD compares: Non-Finnish European, 0.001%; no homozygotes.

Submissions (2):

Labcorp Genetics (formerly Invitae), Labcorp
Classification: Likely benign for RYR1-related disorder. Last evaluated: 2025-11-20. Review status: criteria provided, single submitter. Criteria: Invitae Variant Classification Sherloc (09022015). Collection method: clinical testing. Allele origin: germline.

GeneDx
Classification: Likely benign. Last evaluated: 2016-08-18. Review status: criteria provided, single submitter. Criteria: GeneDx Variant Classification (06012015). Collection method: clinical testing. Allele origin: germline. Affected: yes.
Comment: This variant is considered likely benign or benign based on one or more of the following criteria: it is a conservative change, it occurs at a poorly conserved position in the protein, it is predicted to be benign by multiple in silico algorithms, and/or has population frequency not consistent with disease.

NM_000540.3(RYR1):c.3765+20A>G

Gene: RYR1 (ryanodine receptor 1; plus strand). Cytogenetic location: 19q13.2.
Variant type: single nucleotide variant.
Coding change: c.3765+20A>G on transcript NM_000540.3 (MANE Select); 20 bases into the intron after coding-DNA position 3765, A replaced by G.
Molecular consequence: intron variant.
Genome position (GRCh38, 1-based): chr19:38,469,533, A>G. VCF-style: chr19-38469533-A-G. GRCh37 (hg19) VCF-style: chr19-38960173-A-G.
Other names: c.3765+20A>G (NM_001042723.2).
Identifiers: ClinVar variation 388601 (VCV000388601.8), dbSNP rs368304712, ClinGen allele CA065133.